The following is an entry in ClinVar:

NM_003001.5(SDHC):c.77+5G>T

Gene: SDHC (succinate dehydrogenase complex subunit C; plus strand). Cytogenetic location: 1q23.3.
Variant type: single nucleotide variant.
Coding change: c.77+5G>T on transcript NM_003001.5 (MANE Select); 5 bases into the intron after coding-DNA position 77, G replaced by T.
Molecular consequence: intron variant.
Genome position (GRCh38, 1-based): chr1:161,323,675, G>T. VCF-style: chr1-161323675-G-T. GRCh37 (hg19) VCF-style: chr1-161293465-G-T.
Other names: c.-35+5G>T (NM_001407119.1); c.-153+5G>T (NM_001407120.1); c.77+5G>T (NM_001407115.1, NM_001035511.3, NM_001035512.3 and 2 more transcripts); c.21-4721G>T (NM_001407116.1, NM_001407121.1, NM_001407117.1); c.20+9250G>T (NM_001035513.3).
Identifiers: ClinVar variation 827210 (VCV000827210.6), dbSNP rs1187087693, ClinGen allele CA915943644.

ClinVar aggregate classification (germline): Likely pathogenic (1 of 4 stars; one submission).

Conditions:
Hereditary cancer-predisposing syndrome. Also called: Hereditary Cancer Syndrome; Tumor predisposition; Neoplastic Syndromes, Hereditary; Hereditary neoplastic syndrome. Identifiers: Orphanet 140162, MedGen C0027672, MeSH D009386, MONDO:0015356.

Submission:

Ambry Genetics
Classification: Likely pathogenic for Hereditary cancer-predisposing syndrome. Last evaluated: 2026-02-13. Review status: criteria provided, single submitter. Criteria: Ambry Variant Classification Scheme 2023. Collection method: clinical testing. Allele origin: germline.
Comment: The c.77+5G>T intronic variant results from a G to T substitution 5 nucleotides after coding exon 2 in the SDHC gene. This variant was reported in individual(s) with features consistent with SDHC-related hereditary pheochromocytoma-paraganglioma (Ambry internal data). Other variant(s) impacting the same donor site (c.77+1G>A, c.77+1G>C) have been identified in individual(s) with features consistent with SDHC-related hereditary pheochromocytoma-paraganglioma (Ambry internal data). This nucleotide position is highly conserved in available vertebrate species. In silico splice site analysis predicts that this alteration will weaken the native splice donor site. This variant is considered to be rare based on population cohorts in the Genome Aggregation Database (gnomAD). Based on the majority of available evidence to date, this variant is likely to be pathogenic.